The following is an entry in ClinVar:

NM_177438.3(DICER1):c.2436+1dup

Gene: DICER1 (dicer 1, ribonuclease III; minus strand). Cytogenetic location: 14q32.13.
Variant type: Duplication.
Coding change: c.2436+1dup on transcript NM_177438.3 (MANE Select); the canonical splice donor site of the intron after coding-DNA position 2436, one base duplicated (G; older notation c.2436+1dupG).
Molecular consequence: splice donor variant.
Genome position (GRCh38, 1-based): chr14:95,108,323, C duplicated on the plus strand (G on the coding strand, the reverse complement: DICER1 is on the minus strand); the first of 2 consecutive C bases (chr14:95,108,323-95,108,324); duplicating either gives the same sequence. VCF-style (leftmost placement, unchanged base first): chr14-95108322-A-AC. GRCh37 (hg19) VCF-style: chr14-95574659-A-AC.
Other names: c.2436+1dup (NM_001291628.2, NM_030621.4, NM_001395677.1 and 12 more transcripts); c.2031+1dup (NM_001395690.1, NM_001395687.1, NM_001395689.1 and 2 more transcripts); c.2154+1dup (NM_001395686.1); c.1869+1dup (NM_001395691.1); c.753+1dup (NM_001395697.1).
Identifiers: ClinVar variation 1791218 (VCV001791218.3), dbSNP rs2542851457, ClinGen allele CA2580089094.

ClinVar aggregate classification (germline): Likely pathogenic. Review status: criteria provided, multiple submitters, no conflicts (2 of 4 stars). 2 submissions from 2 submitters: Likely pathogenic (2). Last evaluated 2024-01-31.

Conditions:
Rhabdomyosarcoma, embryonal, 2 (RMSE2). Identifiers: MedGen C1867234, MONDO:0859046, OMIM 180295.
Global developmental delay - lung cysts - overgrowth - Wilms tumor syndrome. Also called: GLOBAL DEVELOPMENTAL DELAY, LUNG CYSTS, OVERGROWTH, AND WILMS TUMOR; GLOW Syndrome. Identifiers: Orphanet 404476, MedGen C4748924, MONDO:0018445, OMIM 618272.
Euthyroid goiter (MNG1). Also called: Goiter, multinodular 1, with or without Sertoli-Leydig cell tumors; GOITER, NONTOXIC, WITH INTRATHYROIDAL CALCIFICATION; MULTINODULAR GOITER, ADOLESCENT; SIMPLE GOITER. Identifiers: Orphanet 276399, MedGen C0302859, MONDO:0007681, OMIM 138800, HP:0009798.
Pleuropulmonary blastoma (PPB). Identifiers: Orphanet 64742, MedGen C1266144, MONDO:0011014, OMIM 601200, HP:0100528.
Hereditary cancer-predisposing syndrome. Also called: Hereditary Cancer Syndrome; Hereditary neoplastic syndrome; Tumor predisposition; Neoplastic Syndromes, Hereditary. Identifiers: Orphanet 140162, MedGen C0027672, MeSH D009386, MONDO:0015356.

Submissions (2):

Fulgent Genetics
Classification: Likely pathogenic for Euthyroid goiter; Rhabdomyosarcoma, embryonal, 2; Pleuropulmonary blastoma; Global developmental delay - lung cysts - overgrowth - Wilms tumor syndrome. Last evaluated: 2024-01-31. Review status: criteria provided, single submitter. Criteria: ACMG Guidelines, 2015. Collection method: clinical testing. Allele origin: germline.

Ambry Genetics
Classification: Likely pathogenic for Hereditary cancer-predisposing syndrome. Last evaluated: 2022-03-17. Review status: criteria provided, single submitter. Criteria: Ambry Variant Classification Scheme 2023. Collection method: clinical testing. Allele origin: germline.
Comment: The c.2436+1dupG intronic variant results from a duplication of a G one nucleotide after coding exon 14 of the DICER1 gene. Using the BDGP and ESEfinder splice site prediction tools, the strength of the native donor splice site is maintained, but shifted downstream one nucleotide resulting in a translational frameshift with a predicted alternate stop codon. Alterations that disrupt the canonical splice site are expected to cause aberrant splicing, resulting in an abnormal protein or a transcript that is subject to nonsense-mediated mRNA decay. RNA studies have demonstrated that this alteration results in abnormal splicing in the set of samples tested (Ambry internal data). As such, this alteration is classified as likely pathogenic.